The following is an entry in ClinVar:

ClinVar aggregate classification (germline): Uncertain significance (1 of 4 stars; one submission).

gnomAD v4.1: 33 of 1,607,330 alleles (0.0021%); highest among the groups gnomAD compares: South Asian, 0.029%; no homozygotes.

Submission:

Labcorp Genetics (formerly Invitae), Labcorp
Classification: Uncertain significance. Last evaluated: 2024-06-09. Review status: criteria provided, single submitter. Criteria: Invitae Variant Classification Sherloc (09022015). Collection method: clinical testing. Allele origin: germline.
Comment: This sequence change replaces glycine, which is neutral and non-polar, with serine, which is neutral and polar, at codon 246 of the GATA3 protein (p.Gly246Ser). This variant is present in population databases (rs766641914, gnomAD 0.03%). This variant has not been reported in the literature in individuals affected with GATA3-related conditions. Advanced modeling of protein sequence and biophysical properties (such as structural, functional, and spatial information, amino acid conservation, physicochemical variation, residue mobility, and thermodynamic stability) performed at Invitae indicates that this missense variant is not expected to disrupt GATA3 protein function with a negative predictive value of 80%. In summary, the available evidence is currently insufficient to determine the role of this variant in disease. Therefore, it has been classified as a Variant of Uncertain Significance.

NM_001002295.2(GATA3):c.736G>A (p.Gly246Ser)

Gene: GATA3 (GATA binding protein 3; plus strand). Cytogenetic location: 10p14.
Variant type: single nucleotide variant.
Coding change: c.736G>A on transcript NM_001002295.2 (MANE Select); coding-DNA position 736, G replaced by A.
Protein change: p.Gly246Ser; replaces glycine 246 with serine.
Molecular consequence: missense variant.
Genome position (GRCh38, 1-based): chr10:8,058,799, G>A. VCF-style: chr10-8058799-G-A. GRCh37 (hg19) VCF-style: chr10-8100762-G-A.
Other names: c.736G>A, p.Gly246Ser (NM_002051.3); short protein forms G246S.
Identifiers: ClinVar variation 3622819 (VCV003622819.2).